The following is an entry in ClinVar:

ClinVar aggregate classification (germline): Pathogenic (1 of 4 stars; one submission).

Submission:

Labcorp Genetics (formerly Invitae), Labcorp
Classification: Pathogenic. Last evaluated: 2024-01-22. Review status: criteria provided, single submitter. Criteria: Invitae Variant Classification Sherloc (09022015). Collection method: clinical testing. Allele origin: unknown.
Comment: This variant is a gross deletion of the genomic region encompassing exon(s) 41-42 of the MYO15A gene. This deletion is out-of-frame, and is expected to create a premature termination codon and result in an absent or disrupted protein product. Loss-of-function variants in MYO15A are known to be pathogenic (PMID: 17546645). This variant has not been reported in the literature in individuals affected with MYO15A-related conditions. For these reasons, this variant has been classified as Pathogenic.

Literature cited by the submitters: PubMed 17546645.

NC_000017.10:g.(?_18055140)_(18055518_?)del

Gene: MYO15A (myosin XVA; plus strand). Cytogenetic location: 17p11.2.
Variant type: Deletion.
Identifiers: ClinVar variation 3243193 (VCV003243193.1).